The following is an entry in ClinVar:

ClinVar aggregate classification (germline): Uncertain significance (1 of 4 stars; one submission).

Conditions:
Pfeiffer syndrome (ACS5). Also called: ACS V. Identifiers: Orphanet 710, MedGen C0220658, MONDO:0007043, OMIM 101600.
Hypogonadotropic hypogonadism 2 with or without anosmia (HH2). Also called: HYPOGONADOTROPIC HYPOGONADISM 2 WITH OR WITHOUT ANOSMIA, SUSCEPTIBILITY TO; HYPOGONADOTROPIC HYPOGONADISM 2 WITHOUT ANOSMIA, SUSCEPTIBILITY TO; HYPOGONADOTROPIC HYPOGONADISM 2 WITHOUT ANOSMIA; FGFR1-Related GnRH Deficiency (Kallmann Syndrome 2). Identifiers: Orphanet 478, MedGen C1563720, MONDO:0007844, OMIM 147950. Disease mechanism: loss of function.

Submission:

Labcorp Genetics (formerly Invitae), Labcorp
Classification: Uncertain significance for Pfeiffer syndrome; Hypogonadotropic hypogonadism 2 with or without anosmia. Last evaluated: 2023-10-26. Review status: criteria provided, single submitter. Criteria: Invitae Variant Classification Sherloc (09022015). Collection method: clinical testing. Allele origin: germline.
Comment: This sequence change falls in intron 13 of the FGFR1 gene. It does not directly change the encoded amino acid sequence of the FGFR1 protein. This variant is not present in population databases (gnomAD no frequency). This variant has not been reported in the literature in individuals affected with FGFR1-related conditions. ClinVar contains an entry for this variant (Variation ID: 1935828). In summary, the available evidence is currently insufficient to determine the role of this variant in disease. Therefore, it has been classified as a Variant of Uncertain Significance.

NM_023110.3(FGFR1):c.1854+15_1854+31del

Gene: FGFR1 (fibroblast growth factor receptor 1; minus strand). Cytogenetic location: 8p11.23.
Variant type: Deletion.
Coding change: c.1854+15_1854+31del on transcript NM_023110.3 (MANE Select); bases 15 to 31 of the intron after coding-DNA position 1854, 17 bases deleted (GGCTCCCCTGGGTAATG).
Molecular consequence: intron variant.
Genome position (GRCh38, 1-based): chr8:38,415,839-38,415,855, CATTACCCAGGGGAGCC deleted on the plus strand (GGCTCCCCTGGGTAATG on the coding strand, the reverse complement: FGFR1 is on the minus strand). VCF-style (leftmost placement, unchanged base first): chr8-38415838-GCATTACCCAGGGGAGCC-G. GRCh37 (hg19) VCF-style: chr8-38273356-GCATTACCCAGGGGAGCC-G.
Other names: c.1575+15_1575+31del (NM_001354368.2); c.1581+15_1581+31del (NM_001354370.2, NM_023106.3); c.1587+15_1587+31del (NM_023105.3, NM_001174066.2); c.1848+15_1848+31del (NM_001354367.2, NM_015850.4, NM_001174063.2 and 1 more transcripts); c.1824+15_1824+31del (NM_001174064.2); c.1842+15_1842+31del (NM_001354369.2); c.1947+15_1947+31del (NM_001174067.2).
Identifiers: ClinVar variation 1935828 (VCV001935828.5), dbSNP rs2536847545, ClinGen allele CA2580078248.
Genomic context (GRCh38, chr8:38,415,838, plus strand): 5'-CGCCACCACAAGATGATAAGTCACAGGCTGGAAGACTAGGGGGGCTCTGTTCCCACCCTG[GCATTACCCAGGGGAGCC>G]TTCAGGTTCCACACCTTCTTGGAGGCCAGATACTCCATGCCTCGGGCCACCTGGTAGGCG-3'